The following is an entry in ClinVar:

NM_000038.6(APC):c.7393C>G (p.Leu2465Val)

Gene: APC (APC regulator of Wnt signaling pathway; plus strand). Cytogenetic location: 5q22.2.
Variant type: single nucleotide variant.
Coding change: c.7393C>G on transcript NM_000038.6 (MANE Select); coding-DNA position 7393, C replaced by G.
Protein change: p.Leu2465Val; replaces leucine 2465 with valine.
Molecular consequence: missense variant.
Genome position (GRCh38, 1-based): chr5:112,842,987, C>G. VCF-style: chr5-112842987-C-G. GRCh37 (hg19) VCF-style: chr5-112178684-C-G.
Other names: c.7393C>G, p.Leu2465Val (NM_001127510.3, NM_001354895.2); c.7339C>G, p.Leu2447Val (NM_001127511.3); c.7447C>G, p.Leu2483Val (NM_001354896.2); c.7423C>G, p.Leu2475Val (NM_001354897.2); c.7318C>G, p.Leu2440Val (NM_001354898.2); c.7309C>G, p.Leu2437Val (NM_001354899.2); c.7270C>G, p.Leu2424Val (NM_001354900.2); c.7216C>G, p.Leu2406Val (NM_001354901.2); and 5 more; short protein forms L2465V, L2447V, L2440V, L2364V, L2475V, L2182V, L2305V, L2339V.
Identifiers: ClinVar variation 470089 (VCV000470089.15), dbSNP rs1455101572, ClinGen allele CA16037433.

ClinVar aggregate classification (germline): Uncertain significance. Review status: criteria provided, multiple submitters, no conflicts (2 of 4 stars). 3 submissions from 3 submitters: Uncertain significance (3). Last evaluated 2025-08-20.

Conditions:
Familial adenomatous polyposis 1 (FAP1). Also called: POLYPOSIS, ADENOMATOUS INTESTINAL; FAMILIAL ADENOMATOUS POLYPOSIS 1, ATTENUATED. Identifiers: MedGen C2713442, MONDO:0021056, OMIM 175100. Disease mechanism: loss of function.
Hereditary cancer-predisposing syndrome. Also called: Hereditary neoplastic syndrome; Neoplastic Syndromes, Hereditary; Tumor predisposition; Hereditary Cancer Syndrome. Identifiers: Orphanet 140162, MedGen C0027672, MeSH D009386, MONDO:0015356.

Allele frequency attached by ClinVar (database versions not stated): gnomAD exomes below 0.00001; TOPMed 0.00002.
gnomAD v4.1: 3 of 1,614,086 alleles (0.00019%); highest among the groups gnomAD compares: African/African-American, 0.0013%; no homozygotes.

Submissions (3):

Labcorp Genetics (formerly Invitae), Labcorp
Classification: Uncertain significance for Familial adenomatous polyposis 1. Last evaluated: 2025-08-20. Review status: criteria provided, single submitter. Criteria: Invitae Variant Classification Sherloc (09022015). Collection method: clinical testing. Allele origin: germline.
Comment: This sequence change replaces leucine, which is neutral and non-polar, with valine, which is neutral and non-polar, at codon 2465 of the APC protein (p.Leu2465Val). This variant is not present in population databases (gnomAD no frequency). This variant has not been reported in the literature in individuals affected with APC-related conditions. ClinVar contains an entry for this variant (Variation ID: 470089). Invitae Evidence Modeling of protein sequence and biophysical properties (such as structural, functional, and spatial information, amino acid conservation, physicochemical variation, residue mobility, and thermodynamic stability) indicates that this missense variant is not expected to disrupt APC protein function with a negative predictive value of 95%. In summary, the available evidence is currently insufficient to determine the role of this variant in disease. Therefore, it has been classified as a Variant of Uncertain Significance.

Ambry Genetics
Classification: Uncertain significance for Hereditary cancer-predisposing syndrome. Last evaluated: 2024-01-16. Review status: criteria provided, single submitter. Criteria: Ambry Variant Classification Scheme 2023. Collection method: clinical testing. Allele origin: germline.
Comment: The p.L2465V variant (also known as c.7393C>G), located in coding exon 15 of the APC gene, results from a C to G substitution at nucleotide position 7393. The leucine at codon 2465 is replaced by valine, an amino acid with highly similar properties. This amino acid position is highly conserved in available vertebrate species. In addition, in silico predictors for this gene do not accurately predict pathogenicity. Since supporting evidence is limited at this time, the clinical significance of this alteration remains unclear.

Baylor Genetics
Classification: Uncertain significance for Familial adenomatous polyposis 1. Last evaluated: 2023-12-06. Review status: criteria provided, single submitter. Criteria: ACMG Guidelines, 2015. Collection method: clinical testing. Allele origin: unknown.